The following is an entry in ClinVar:

NM_001039706.3(CFAP69):c.1686C>T (p.Ile562=)

Gene: CFAP69 (cilia and flagella associated protein 69; plus strand). Cytogenetic location: 7q21.13.
Variant type: single nucleotide variant.
Coding change: c.1686C>T on transcript NM_001039706.3 (MANE Select); coding-DNA position 1686, C replaced by T.
Protein change: p.Ile562=; no amino-acid change (isoleucine 562 retained).
Molecular consequence: synonymous variant.
Genome position (GRCh38, 1-based): chr7:90,288,263, C>T. VCF-style: chr7-90288263-C-T. GRCh37 (hg19) VCF-style: chr7-89917577-C-T.
Other names: c.1632C>T, p.Ile544= (NM_001160138.2); c.1686C>T, p.Ile562= (NM_001363438.1).
Identifiers: ClinVar variation 712005 (VCV000712005.6), dbSNP rs188534119, ClinGen allele CA4333615.
Genomic context (GRCh38, chr7:90,288,263, plus strand): 5'-AGAAATAATTTAAAACAAATATCTTAAACAGGAAATTTTCGGAACTGAAGGAGTAGATAT[C>T]GTTCTTCATGTGATGAAAACAGACCCCAGGAAGTTACAGAGTGGCTTAGGCTATAATGTA-3'
Protein context (NP_001034795.2, residues 552-572): KEIFGTEGVD[Ile562=]VLHVMKTDPR

ClinVar aggregate classification (germline): Benign. Review status: criteria provided, multiple submitters, no conflicts (2 of 4 stars). 3 submissions from 3 submitters: Benign (2). 1 of the submissions does not count toward it. Last evaluated 2018-11-15.

Conditions:
CFAP69-related disorder. Also called: CFAP69-related condition.

Allele frequency attached by ClinVar (database versions not stated): gnomAD exomes 0.00074 and 0.00199; ExAC 0.00256; 1000 Genomes Project 0.00639; 1000 Genomes Project 30x 0.00687; ESP Exome Variant Server 0.00795; gnomAD 0.00808 and 0.00885; TOPMed 0.00906.
gnomAD v4.1: 2,360 of 1,610,472 alleles (0.15%); highest among the groups gnomAD compares: African/African-American, 2.8%; 24 homozygotes.

Submissions (3):

Labcorp Genetics (formerly Invitae), Labcorp
Classification: Benign. Last evaluated: 2018-11-15. Review status: criteria provided, single submitter. Criteria: Invitae Variant Classification Sherloc (09022015). Collection method: clinical testing. Allele origin: germline.

Breakthrough Genomics
Classification: Benign. Review status: criteria provided, single submitter. Criteria: ACMG Guidelines, 2015. Collection method: not provided. Allele origin: germline. Inheritance: Autosomal recessive inheritance. Affected: yes.

PreventionGenetics, part of Exact Sciences
Classification: Benign for CFAP69-related condition. Last evaluated: 2019-07-16. Review status: no assertion criteria provided. Collection method: clinical testing. Allele origin: germline. Not counted in ClinVar's aggregate classification.
Comment: This variant is classified as benign based on ACMG/AMP sequence variant interpretation guidelines (Richards et al. 2015 PMID: 25741868, with internal and published modifications).